The following is an entry in ClinVar:

ClinVar aggregate classification (germline): Pathogenic/Likely pathogenic. Review status: criteria provided, multiple submitters, no conflicts (2 of 4 stars). 2 submissions from 2 submitters: Pathogenic (1); Likely pathogenic (1). Last evaluated 2026-01-02.

Conditions:
TMPRSS15-related disorder. Also called: TMPRSS15-related condition.

Allele frequency attached by ClinVar (database versions not stated): gnomAD exomes below 0.00001; gnomAD 0.00001; TOPMed 0.00001.
gnomAD v4.1: 7 of 1,611,830 alleles (0.00043%); highest among the groups gnomAD compares: South Asian, 0.0011%; no homozygotes.

Submissions (2):

PreventionGenetics, part of Exact Sciences
Classification: Likely pathogenic for TMPRSS15-related condition. Last evaluated: 2026-01-02. Review status: criteria provided, single submitter. Criteria: ACMG Guidelines, 2015. Collection method: clinical testing. Allele origin: germline.
Comment: The TMPRSS15 c.1093G>T variant is predicted to result in premature protein termination (p.Glu365*). To our knowledge, this variant has not been reported in the literature. This variant is reported in 0.0035% of alleles in individuals of European (Non-Finnish) descent in gnomAD. Nonsense variants in TMPRSS15 are expected to be pathogenic. This variant is interpreted as likely pathogenic.

Labcorp Genetics (formerly Invitae), Labcorp
Classification: Pathogenic. Last evaluated: 2025-09-12. Review status: criteria provided, single submitter. Criteria: Invitae Variant Classification Sherloc (09022015). Collection method: clinical testing. Allele origin: germline.
Comment: This sequence change creates a premature translational stop signal (p.Glu365*) in the TMPRSS15 gene. It is expected to result in an absent or disrupted protein product. Loss-of-function variants in TMPRSS15 are known to be pathogenic (PMID: 11719902). This variant is present in population databases (rs767441640, gnomAD 0.004%). This variant has not been reported in the literature in individuals affected with TMPRSS15-related conditions. ClinVar contains an entry for this variant (Variation ID: 2132186). For these reasons, this variant has been classified as Pathogenic.

Literature cited by the submitters: PubMed 11719902 (cited by Labcorp Genetics (formerly Invitae), Labcorp).

NM_002772.3(TMPRSS15):c.1093G>T (p.Glu365Ter)

Gene: TMPRSS15 (transmembrane serine protease 15; minus strand). Cytogenetic location: 21q21.1.
Variant type: single nucleotide variant.
Coding change: c.1093G>T on transcript NM_002772.3 (MANE Select); coding-DNA position 1093, G replaced by T.
Protein change: p.Glu365Ter; replaces glutamic acid 365 with a stop codon.
Molecular consequence: nonsense.
Genome position (GRCh38, 1-based): chr21:18,352,981, C>A on the plus strand (G>T on the coding strand, the complement: TMPRSS15 is on the minus strand). VCF-style: chr21-18352981-C-A. GRCh37 (hg19) VCF-style: chr21-19725298-C-A.
Other names: c.1093G>T (NM_002772.2); short protein forms E365*.
Identifiers: ClinVar variation 2132186 (VCV002132186.5), dbSNP rs767441640, ClinGen allele CA9984553.